The following is an entry in ClinVar:

ClinVar aggregate classification (germline): Benign/Likely benign. Review status: criteria provided, multiple submitters, no conflicts (2 of 4 stars). 5 submissions from 5 submitters: Benign (1); Likely benign (4). Last evaluated 2025-08-03.

Conditions:
MYH6-related disorder. Also called: MYH6-Related Disorders; MYH6-related condition.
Cardiovascular phenotype. Identifiers: MedGen CN230736.
Hypertrophic cardiomyopathy 14. Identifiers: MedGen C2750467, MONDO:0013197, OMIM 613251.

Allele frequency attached by ClinVar (database versions not stated): gnomAD exomes 0.00002 and 0.00006; ExAC 0.00006; gnomAD 0.00014 and 0.00016; ESP Exome Variant Server 0.00015; 1000 Genomes Project 30x 0.00016; TOPMed 0.00018; 1000 Genomes Project 0.00020.
gnomAD v4.1: 54 of 1,614,070 alleles (0.0033%); highest among the groups gnomAD compares: African/African-American, 0.057%; no homozygotes.

Submissions (5):

Labcorp Genetics (formerly Invitae), Labcorp
Classification: Likely benign for Hypertrophic cardiomyopathy 14. Last evaluated: 2025-08-03. Review status: criteria provided, single submitter. Criteria: Invitae Variant Classification Sherloc (09022015). Collection method: clinical testing. Allele origin: germline.

PreventionGenetics, part of Exact Sciences
Classification: Likely benign for MYH6-related condition. Last evaluated: 2025-05-21. Review status: criteria provided, single submitter. Criteria: ACMG Guidelines, 2015. Collection method: clinical testing. Allele origin: germline.
Comment: This variant is classified as likely benign based on ACMG/AMP sequence variant interpretation guidelines (Richards et al. 2015 PMID: 25741868, with internal and published modifications).

Women's Health and Genetics/Laboratory Corporation of America, LabCorp
Classification: Benign. Last evaluated: 2023-08-19. Review status: criteria provided, single submitter. Criteria: LabCorp Variant Classification Summary - May 2015. Collection method: clinical testing. Allele origin: germline.

Ambry Genetics
Classification: Likely benign for Cardiovascular phenotype. Last evaluated: 2018-06-01. Review status: criteria provided, single submitter. Criteria: Ambry Variant Classification Scheme 2023. Collection method: clinical testing. Allele origin: germline.

GeneDx
Classification: Likely benign. Last evaluated: 2016-11-03. Review status: criteria provided, single submitter. Criteria: GeneDx Variant Classification (06012015). Collection method: clinical testing. Allele origin: germline. Affected: yes.
Comment: This variant is considered likely benign or benign based on one or more of the following criteria: it is a conservative change, it occurs at a poorly conserved position in the protein, it is predicted to be benign by multiple in silico algorithms, and/or has population frequency not consistent with disease.

NM_002471.4(MYH6):c.4560A>G (p.Glu1520=)

Gene: MYH6 (myosin heavy chain 6; minus strand). Cytogenetic location: 14q11.2.
Variant type: single nucleotide variant.
Coding change: c.4560A>G on transcript NM_002471.4 (MANE Select); coding-DNA position 4560, A replaced by G.
Protein change: p.Glu1520=; no amino-acid change (glutamic acid 1520 retained).
Molecular consequence: synonymous variant.
Genome position (GRCh38, 1-based): chr14:23,387,619, T>C on the plus strand (A>G on the coding strand, the complement: MYH6 is on the minus strand). VCF-style: chr14-23387619-T-C. GRCh37 (hg19) VCF-style: chr14-23856828-T-C.
Identifiers: ClinVar variation 390527 (VCV000390527.15), dbSNP rs200918670, ClinGen allele CA7114714.